The following is an entry in ClinVar:

NM_000214.3(JAG1):c.1120A>G (p.Asn374Asp)

Gene: JAG1 (jagged canonical Notch ligand 1; minus strand). Cytogenetic location: 20p12.2.
Variant type: single nucleotide variant.
Coding change: c.1120A>G on transcript NM_000214.3 (MANE Select); coding-DNA position 1120, A replaced by G.
Protein change: p.Asn374Asp; replaces asparagine 374 with aspartic acid.
Molecular consequence: missense variant.
Genome position (GRCh38, 1-based): chr20:10,651,581, T>C on the plus strand (A>G on the coding strand, the complement: JAG1 is on the minus strand). VCF-style: chr20-10651581-T-C. GRCh37 (hg19) VCF-style: chr20-10632229-T-C.
Other names: short protein forms N374D.
Identifiers: ClinVar variation 3626250 (VCV003626250.3).
Genomic context (GRCh38, chr20:10,651,581, plus strand): 5'-CAGCGTGGTATCTTGGCACAAGGATCCTTAGAATGGACACAGGCTGAAAATTGGACTTAC[T>C]TGTAGAGCATGTGGGGCCGGTCCAGCCTGGGGAACACTCACACTCAAAGCCCAGGGAGGT-3'
Protein context (NP_000205.1, residues 364-384): PGWTGPTCST[Asn374Asp]IDDCSPNNCS

ClinVar aggregate classification (germline): Uncertain significance. Review status: criteria provided, multiple submitters, no conflicts (2 of 4 stars). 2 submissions from 2 submitters: Uncertain significance (2). Last evaluated 2026-01-05.

Conditions:
Alagille syndrome due to a JAG1 point mutation. Also called: JAG1-Related Alagille Syndrome; HEPATIC DUCTULAR HYPOPLASIA, SYNDROMATIC; Alagille Syndrome 1. Identifiers: Orphanet 261619, Orphanet 52, MedGen C1956125, MONDO:0016862, OMIM 118450.

gnomAD v4.1: 3 of 1,605,438 alleles (0.00019%); highest among the groups gnomAD compares: Non-Finnish European, 0.00026%; no homozygotes.

Submissions (2):

Labcorp Genetics (formerly Invitae), Labcorp
Classification: Uncertain significance for Alagille syndrome due to a JAG1 point mutation. Last evaluated: 2026-01-05. Review status: criteria provided, single submitter. Criteria: Invitae Variant Classification Sherloc (09022015). Collection method: clinical testing. Allele origin: germline.
Comment: This sequence change replaces asparagine, which is neutral and polar, with aspartic acid, which is acidic and polar, at codon 374 of the JAG1 protein (p.Asn374Asp). This variant is present in population databases (no rsID available, gnomAD 0.0009%). This variant has not been reported in the literature in individuals affected with JAG1-related conditions. ClinVar contains an entry for this variant (Variation ID: 3626250). An algorithm developed to predict the effect of missense changes on protein structure and function (PolyPhen-2) suggests that this variant is likely to be tolerated. In summary, the available evidence is currently insufficient to determine the role of this variant in disease. Therefore, it has been classified as a Variant of Uncertain Significance.

Blueprint Genetics
Classification: Uncertain significance. Last evaluated: 2019-12-19. Review status: criteria provided, single submitter. Criteria: ACMG Guidelines, 2015. Collection method: clinical testing. Allele origin: germline.